The following is an entry in ClinVar:

ClinVar aggregate classification (germline): Uncertain significance (1 of 4 stars; one submission).

Conditions:
DOCK2 deficiency. Also called: Immunodeficiency 40. Identifiers: Orphanet 447737, MedGen C4225328, MONDO:0014637, OMIM 616433.

Allele frequency attached by ClinVar (database versions not stated): TOPMed below 0.00001.

Submission:

Labcorp Genetics (formerly Invitae), Labcorp
Classification: Uncertain significance for DOCK2 deficiency. Last evaluated: 2021-09-02. Review status: criteria provided, single submitter. Criteria: Invitae Variant Classification Sherloc (09022015). Collection method: clinical testing. Allele origin: germline.
Comment: This sequence change replaces serine with arginine at codon 725 of the DOCK2 protein (p.Ser725Arg). The serine residue is moderately conserved and there is a moderate physicochemical difference between serine and arginine. This variant is not present in population databases (ExAC no frequency). This variant has not been reported in the literature in individuals affected with DOCK2-related conditions. Algorithms developed to predict the effect of missense changes on protein structure and function (SIFT, PolyPhen-2, Align-GVGD) all suggest that this variant is likely to be tolerated. In summary, the available evidence is currently insufficient to determine the role of this variant in disease. Therefore, it has been classified as a Variant of Uncertain Significance.

NM_004946.3(DOCK2):c.2175C>G (p.Ser725Arg)

Gene: DOCK2 (dedicator of cytokinesis 2; plus strand). Cytogenetic location: 5q35.1.
Variant type: single nucleotide variant.
Coding change: c.2175C>G on transcript NM_004946.3 (MANE Select); coding-DNA position 2175, C replaced by G.
Protein change: p.Ser725Arg; replaces serine 725 with arginine.
Molecular consequence: missense variant. On other transcripts: non-coding transcript variant (1).
Genome position (GRCh38, 1-based): chr5:169,718,699, C>G. VCF-style: chr5-169718699-C-G. GRCh37 (hg19) VCF-style: chr5-169145703-C-G.
Other names: c.2175C>G, p.Ser725Arg (LRG_1227t1); short protein forms S725R.
Identifiers: ClinVar variation 582818 (VCV000582818.8), dbSNP rs1561633059, ClinGen allele CA362109592.